The following is an entry in ClinVar:

NM_001375524.1(TRRAP):c.9050C>T (p.Ser3017Phe)

Gene: TRRAP (transformation/transcription domain associated protein; plus strand). Cytogenetic location: 7q22.1.
Variant type: single nucleotide variant.
Coding change: c.9050C>T on transcript NM_001375524.1 (MANE Select); coding-DNA position 9050, C replaced by T.
Protein change: p.Ser3017Phe; replaces serine 3017 with phenylalanine.
Molecular consequence: missense variant.
Genome position (GRCh38, 1-based): chr7:98,984,120, C>T. VCF-style: chr7-98984120-C-T. GRCh37 (hg19) VCF-style: chr7-98581743-C-T.
Other names: c.9062C>T, p.Ser3021Phe (NM_001244580.2); c.8975C>T, p.Ser2992Phe (NM_003496.4); short protein forms S3017F, S3021F, S2992F.
Identifiers: ClinVar variation 4749798 (VCV004749798.1).

ClinVar aggregate classification (germline): Uncertain significance (1 of 4 stars; one submission).

gnomAD v4.1: 77 of 1,612,256 alleles (0.0048%); highest among the groups gnomAD compares: Non-Finnish European, 0.006%; no homozygotes.

Submission:

Labcorp Genetics (formerly Invitae), Labcorp
Classification: Uncertain significance. Last evaluated: 2025-12-15. Review status: criteria provided, single submitter. Criteria: Invitae Variant Classification Sherloc (09022015). Collection method: clinical testing. Allele origin: germline.
Comment: This sequence change replaces serine, which is neutral and polar, with phenylalanine, which is neutral and non-polar, at codon 2992 of the TRRAP protein (p.Ser2992Phe). This variant is present in population databases (rs777318967, gnomAD 0.003%). This variant has not been reported in the literature in individuals affected with TRRAP-related conditions. Invitae Evidence Modeling of protein sequence and biophysical properties (such as structural, functional, and spatial information, amino acid conservation, physicochemical variation, residue mobility, and thermodynamic stability) indicates that this missense variant is not expected to disrupt TRRAP protein function with a negative predictive value of 80%. In summary, the available evidence is currently insufficient to determine the role of this variant in disease. Therefore, it has been classified as a Variant of Uncertain Significance.